The following is an entry in ClinVar:

NM_001099922.3(ALG13):c.1641A>G (p.Gln547=)

Gene: ALG13 (ALG13 UDP-N-acetylglucosaminyltransferase subunit; plus strand). Cytogenetic location: Xq23.
Variant type: single nucleotide variant.
Coding change: c.1641A>G on transcript NM_001099922.3 (MANE Select); coding-DNA position 1641, A replaced by G.
Protein change: p.Gln547=; no amino-acid change (glutamine 547 retained).
Molecular consequence: synonymous variant. On other transcripts: non-coding transcript variant (1).
Genome position (GRCh38, 1-based): chrX:111,724,973, A>G. VCF-style: chrX-111724973-A-G. GRCh37 (hg19) VCF-style: chrX-110968201-A-G.
Other names: c.1329A>G, p.Gln443= (NM_001257230.2, NM_001257234.2, NM_001257237.2); c.1407A>G, p.Gln469= (NM_001257231.2); c.1641A>G, p.Gln547= (NM_001324292.2); c.1155A>G, p.Gln385= (NM_001324293.1).
Identifiers: ClinVar variation 540344 (VCV000540344.15), dbSNP rs768589790, ClinGen allele CA10493738.

ClinVar aggregate classification (germline): Benign/Likely benign. Review status: criteria provided, multiple submitters, no conflicts (2 of 4 stars). 4 submissions from 4 submitters: Benign (3); Likely benign (1). Last evaluated 2026-01-08.

Conditions:
ALG13-related disorder. Also called: ALG13-related condition.
Developmental and epileptic encephalopathy, 36 (DEE36). Also called: ALG13-CDG; Epileptic encephalopathy, early infantile, 36; Congenital disorder of glycosylation, type Is. Identifiers: Orphanet 324422, MedGen C4317295, MONDO:0010472, OMIM 300884.
Inborn genetic diseases. Identifiers: MedGen C0950123, MeSH D030342.

Allele frequency attached by ClinVar (database versions not stated): gnomAD 0.00002 and 0.00001; TOPMed 0.00002; gnomAD exomes 0.00015; ExAC 0.00018.
gnomAD v4.1: 57 of 1,209,174 alleles (0.0047%); highest among the groups gnomAD compares: South Asian, 0.093%; no homozygotes.

Submissions (4):

Labcorp Genetics (formerly Invitae), Labcorp
Classification: Benign for Developmental and epileptic encephalopathy, 36. Last evaluated: 2026-01-08. Review status: criteria provided, single submitter. Criteria: Invitae Variant Classification Sherloc (09022015). Collection method: clinical testing. Allele origin: germline.

PreventionGenetics, part of Exact Sciences
Classification: Likely benign for ALG13-related condition. Last evaluated: 2025-08-12. Review status: criteria provided, single submitter. Criteria: ACMG Guidelines, 2015. Collection method: clinical testing. Allele origin: germline.
Comment: This variant is classified as likely benign based on ACMG/AMP sequence variant interpretation guidelines (Richards et al. 2015 PMID: 25741868, with internal and published modifications).

Genome-Nilou Lab
Classification: Benign for Developmental and epileptic encephalopathy, 36. Last evaluated: 2021-12-05. Review status: criteria provided, single submitter. Criteria: ACMG Guidelines, 2015. Collection method: clinical testing. Allele origin: germline. Affected: no.

Ambry Genetics
Classification: Benign for Inborn genetic diseases. Last evaluated: 2016-09-09. Review status: criteria provided, single submitter. Criteria: Ambry Variant Classification Scheme 2023. Collection method: clinical testing. Allele origin: germline.